The following is an entry in ClinVar:

ClinVar aggregate classification (germline): Uncertain significance (1 of 4 stars; one submission).

Conditions:
Hereditary cancer-predisposing syndrome. Also called: Hereditary Cancer Syndrome; Hereditary neoplastic syndrome; Neoplastic Syndromes, Hereditary; Tumor predisposition. Identifiers: Orphanet 140162, MedGen C0027672, MeSH D009386, MONDO:0015356.

Submission:

Ambry Genetics
Classification: Uncertain significance for Hereditary cancer-predisposing syndrome. Last evaluated: 2025-04-14. Review status: criteria provided, single submitter. Criteria: Ambry Variant Classification Scheme 2023. Collection method: clinical testing. Allele origin: germline.
Comment: The p.T816S variant (also known as c.2447C>G), located in coding exon 15 of the APC gene, results from a C to G substitution at nucleotide position 2447. The threonine at codon 816 is replaced by serine, an amino acid with similar properties. This amino acid position is not well conserved in available vertebrate species. In addition, in silico predictors for this gene do not accurately predict pathogenicity. Missense alterations in APC are not a common cause of disease (Spier I et al. Genet Med. 2024 Feb;26(2):100992). Based on the available evidence, the clinical significance of this variant remains unclear.

NM_000038.6(APC):c.2447C>G (p.Thr816Ser)

Gene: APC (APC regulator of Wnt signaling pathway; plus strand). Cytogenetic location: 5q22.2.
Variant type: single nucleotide variant.
Coding change: c.2447C>G on transcript NM_000038.6 (MANE Select); coding-DNA position 2447, C replaced by G.
Protein change: p.Thr816Ser; replaces threonine 816 with serine.
Molecular consequence: missense variant. On other transcripts: non-coding transcript variant (2).
Genome position (GRCh38, 1-based): chr5:112,838,041, C>G. VCF-style: chr5-112838041-C-G. GRCh37 (hg19) VCF-style: chr5-112173738-C-G.
Other names: c.2447C>G, p.Thr816Ser (NM_001127510.3, NM_001354895.2, NM_001407450.1); c.2393C>G, p.Thr798Ser (NM_001127511.3); c.2501C>G, p.Thr834Ser (NM_001354896.2, NM_001407447.1, NM_001407448.1 and 1 more transcripts); c.2477C>G, p.Thr826Ser (NM_001354897.2); c.2372C>G, p.Thr791Ser (NM_001354898.2); c.2363C>G, p.Thr788Ser (NM_001354899.2); c.2324C>G, p.Thr775Ser (NM_001354900.2); c.2270C>G, p.Thr757Ser (NM_001354901.2, NM_001407453.1); and 11 more; short protein forms T533S, T656S, T725S, T757S, T775S, T791S, T816S, T834S.
Identifiers: ClinVar variation 3928209 (VCV003928209.1).
Genomic context (GRCh38, chr5:112,838,041, plus strand): 5'-ATGGTGATTATGTTTTTGACACCAATCGACATGATGATAATAGGTCAGACAATTTTAATA[C>G]TGGCAACATGACTGTCCTTTCACCATATTTGAATACTACAGTGTTACCCAGCTCCTCTTC-3'
Protein context (NP_000029.2, residues 806-826): HDDNRSDNFN[Thr816Ser]GNMTVLSPYL